The following is an entry in ClinVar:

ClinVar aggregate classification (germline): Pathogenic/Likely pathogenic. Review status: criteria provided, multiple submitters, no conflicts (2 of 4 stars). 3 submissions from 3 submitters: Pathogenic (2); Likely pathogenic (1). Last evaluated 2026-01-13.

Conditions:
Joubert syndrome 9 (JBTS9). Identifiers: Orphanet 2318, MedGen C2676788, MONDO:0012849, OMIM 612285.
Inborn genetic diseases. Identifiers: MedGen C0950123, MeSH D030342.
Joubert syndrome. Also called: Familial aplasia of the vermis; JOUBERT-BOLTSHAUSER SYNDROME. Identifiers: Orphanet 475, MedGen C5979921, MONDO:0018772.
Meckel-Gruber syndrome. Also called: Dysencephalia splachnocystica; DYSENCEPHALIA SPLANCHNOCYSTICA; GRUBER SYNDROME. Identifiers: Orphanet 564, MedGen C0265215, MONDO:0018921.

Allele frequency attached by ClinVar (database versions not stated): gnomAD 0.00001; TOPMed 0.00001.
gnomAD v4.1: 26 of 1,612,302 alleles (0.0016%); highest among the groups gnomAD compares: Non-Finnish European, 0.0021%; no homozygotes.

Submissions (3):

Labcorp Genetics (formerly Invitae), Labcorp
Classification: Pathogenic for Joubert syndrome; Meckel-Gruber syndrome. Last evaluated: 2026-01-13. Review status: criteria provided, single submitter. Criteria: Invitae Variant Classification Sherloc (09022015). Collection method: clinical testing. Allele origin: germline.
Comment: This sequence change replaces valine, which is neutral and non-polar, with alanine, which is neutral and non-polar, at codon 1045 of the CC2D2A protein (p.Val1045Ala). This variant is not present in population databases (gnomAD no frequency). This missense change has been observed in individual(s) with Joubert syndrome (PMID: 22241855, 26092869). In at least one individual the data is consistent with being in trans (on the opposite chromosome) from a pathogenic variant. ClinVar contains an entry for this variant (Variation ID: 217601). Invitae Evidence Modeling of protein sequence and biophysical properties (such as structural, functional, and spatial information, amino acid conservation, physicochemical variation, residue mobility, and thermodynamic stability) indicates that this missense variant is expected to disrupt CC2D2A protein function with a positive predictive value of 80%. For these reasons, this variant has been classified as Pathogenic.

Ambry Genetics
Classification: Likely pathogenic for Inborn genetic diseases. Last evaluated: 2025-07-24. Review status: criteria provided, single submitter. Criteria: Ambry Variant Classification Scheme 2023. Collection method: clinical testing. Allele origin: germline.
Comment: The c.3134T>C (p.V1045A) alteration is located in exon 25 (coding exon 23) of the CC2D2A gene. This alteration results from a T to C substitution at nucleotide position 3134, causing the valine (V) at amino acid position 1045 to be replaced by an alanine (A). This variant was not reported in population-based cohorts in the Genome Aggregation Database (gnomAD). This variant has been identified in conjunction with other CC2D2A variants in individuals with features consistent with CC2D2A-related ciliopathy; in at least one instance, the variants were identified in trans (Bachmann-Gagescu, 2012; Bachmann-Gagescu, 2015). This amino acid position is well conserved in available vertebrate species. This alteration is predicted to be deleterious by in silico analysis. Based on the available evidence, this alteration is classified as likely pathogenic.

UW Hindbrain Malformation Research Program, University of Washington
Classification: Pathogenic for Joubert syndrome 9. Last evaluated: 2015-02-23. Review status: criteria provided, single submitter. Criteria: Bachmann-Gagescu et al. (J Med Genet. 2015). Collection method: research. Allele origin: unknown. Affected: yes.

Literature cited by the submitters: PubMed 22241855 (cited by Labcorp Genetics (formerly Invitae), Labcorp and Ambry Genetics); PubMed 26092869 (cited by Labcorp Genetics (formerly Invitae), Labcorp and Ambry Genetics).

NM_001378615.1(CC2D2A):c.3134T>C (p.Val1045Ala)

Genes: FBXL5 (F-box and leucine rich repeat protein 5; minus strand), CC2D2A (coiled-coil and C2 domain containing 2A; plus strand). Cytogenetic location: 4p15.32.
Variant type: single nucleotide variant.
Coding change: c.3134T>C on transcript NM_001378615.1 (MANE Select); coding-DNA position 3134, T replaced by C.
Protein change: p.Val1045Ala; replaces valine 1045 with alanine.
Molecular consequence: missense variant.
Genome position (GRCh38, 1-based): chr4:15,563,474, T>C. VCF-style: chr4-15563474-T-C. GRCh37 (hg19) VCF-style: chr4-15565097-T-C.
Other names: c.3134T>C, p.Val1045Ala (NM_001080522.2); c.2987T>C, p.Val996Ala (NM_001378617.1); short protein forms V1045A, V996A.
Identifiers: ClinVar variation 217601 (VCV000217601.5), dbSNP rs863225173, ClinGen allele CA279522.